The following is an entry in ClinVar:

ClinVar aggregate classification (germline): Uncertain significance (1 of 4 stars; one submission).

Conditions:
Tuberous sclerosis 1 (TSC1). Identifiers: Orphanet 805, MedGen C1854465, MONDO:0008612, OMIM 191100.

Submission:

Labcorp Genetics (formerly Invitae), Labcorp
Classification: Uncertain significance for Tuberous sclerosis 1. Last evaluated: 2021-11-05. Review status: criteria provided, single submitter. Criteria: Invitae Variant Classification Sherloc (09022015). Collection method: clinical testing. Allele origin: germline.
Comment: In summary, the available evidence is currently insufficient to determine the role of this variant in disease. Therefore, it has been classified as a Variant of Uncertain Significance. Variants that disrupt the consensus splice site are a relatively common cause of aberrant splicing (PMID: 17576681, 9536098). Algorithms developed to predict the effect of sequence changes on RNA splicing suggest that this variant is not likely to affect RNA splicing. This variant has not been reported in the literature in individuals affected with TSC1-related conditions. This variant is not present in population databases (gnomAD no frequency). This sequence change falls in intron 14 of the TSC1 gene. It does not directly change the encoded amino acid sequence of the TSC1 protein. It affects a nucleotide within the consensus splice site.

Literature cited by the submitters: PubMed 17576681; PubMed 9536098.

NM_000368.5(TSC1):c.1439-3C>T

Gene: TSC1 (TSC complex subunit 1; minus strand). Cytogenetic location: 9q34.13.
Variant type: single nucleotide variant.
Coding change: c.1439-3C>T on transcript NM_000368.5 (MANE Select); 3 bases into the intron before coding-DNA position 1439, C replaced by T.
Molecular consequence: intron variant.
Genome position (GRCh38, 1-based): chr9:132,906,142, G>A on the plus strand (C>T on the coding strand, the complement: TSC1 is on the minus strand). VCF-style: chr9-132906142-G-A. GRCh37 (hg19) VCF-style: chr9-135781529-G-A.
Other names: c.1076-3C>T (NM_001362177.2); c.1286-3C>T (NM_001162427.2); c.1436-3C>T (NM_001162426.2).
Identifiers: ClinVar variation 1506518 (VCV001506518.6), dbSNP rs2131851362, ClinGen allele CA2573144292.
Genomic context (GRCh38, chr9:132,906,142, plus strand): 5'-GGAACCACAGGCTCTGCCTCTGCTGTGGTGATCTCAGAAAGTTCTCTAGATATTGCAGCT[G>A]AGAGGAAGAGAGGAAACAAAAGAAATGGCAGTCGGTATTCCACCTGGGAAAGACTAGGCA-3'